The following is an entry in ClinVar:

NM_017866.6(TMEM70):c.*24C>T

Gene: TMEM70 (transmembrane protein 70; plus strand). Cytogenetic location: 8q21.11.
Variant type: single nucleotide variant.
Coding change: c.*24C>T on transcript NM_017866.6 (MANE Select); 24 bases downstream of the stop codon, C replaced by T.
Molecular consequence: 3 prime UTR variant. On other transcripts: non-coding transcript variant (1).
Genome position (GRCh38, 1-based): chr8:73,981,645, C>T. VCF-style: chr8-73981645-C-T. GRCh37 (hg19) VCF-style: chr8-74893880-C-T.
Other names: c.*497C>T (NM_001040613.3).
Identifiers: ClinVar variation 363693 (VCV000363693.11), dbSNP rs7108, ClinGen allele CA4784126.
Genomic context (GRCh38, chr8:73,981,645, plus strand): 5'-AACCAGTGAAGAGAAACGGCATAAAGATGACAAATGAGCCTATTTGTTAGTGTTCGTGCT[C>T]AAATGTGATTTACGTTTTAATGTATAATAATAAAATTGCCTTTTGCATTCCGTTAGTGAC-3'

ClinVar aggregate classification (germline): Benign. Review status: criteria provided, multiple submitters, no conflicts (2 of 4 stars). 5 submissions from 5 submitters: Benign (5). Last evaluated 2022-05-05.

Conditions:
Mitochondrial complex V (ATP synthase) deficiency, nuclear type 2. Also called: Nuclear-Encoded ATPase Deficiency, TMEM70-Related; ENCEPHALOCARDIOMYOPATHY, MITOCHONDRIAL, NEONATAL, DUE TO ATP SYNTHASE DEFICIENCY; MITOCHONDRIAL COMPLEX V (ATP SYNTHASE) DEFICIENCY, TMEM70 TYPE. Identifiers: Orphanet 1194, MedGen C3279699, MONDO:0013546, OMIM 614052.

Allele frequency attached by ClinVar (database versions not stated): gnomAD exomes 0.48050; gnomAD 0.47831 and 0.48050; ExAC 0.49457; 1000 Genomes Project 0.47504; 1000 Genomes Project 30x 0.47908; ESP Exome Variant Server 0.46509; TOPMed 0.48571.

Submissions (5):

Mayo Clinic Laboratories, Mayo Clinic
Classification: Benign. Last evaluated: 2022-05-05. Review status: criteria provided, single submitter. Criteria: ACMG Guidelines, 2015. Collection method: clinical testing. Allele origin: germline. Observed: 44 variant alleles.

Genome-Nilou Lab
Classification: Benign for Mitochondrial complex V (ATP synthase) deficiency, nuclear type 2. Last evaluated: 2021-09-10. Review status: criteria provided, single submitter. Criteria: ACMG Guidelines, 2015. Collection method: clinical testing. Allele origin: germline. Affected: no.

GeneDx
Classification: Benign. Last evaluated: 2018-06-23. Review status: criteria provided, single submitter. Criteria: GeneDx Variant Classification Process June 2021. Collection method: clinical testing. Allele origin: germline. Affected: yes.

Illumina Laboratory Services, Illumina
Classification: Benign for Mitochondrial complex V (ATP synthase) deficiency, nuclear type 2. Last evaluated: 2018-01-12. Review status: criteria provided, single submitter. Criteria: ICSL Variant Classification Criteria 13 December 2019. Collection method: clinical testing. Allele origin: germline.
Comment: This variant was observed in the ICSL laboratory as part of a predisposition screen in an ostensibly healthy population. It had not been previously curated by ICSL or reported in the Human Gene Mutation Database (HGMD: prior to June 1st, 2018), and was therefore a candidate for classification through an automated scoring system. Utilizing variant allele frequency, disease prevalence and penetrance estimates, and inheritance mode, an automated score was calculated to assess if this variant is too frequent to cause the disease. Based on the score and internal cut-off values, a variant classified as benign is not then subjected to further curation. The score for this variant resulted in a classification of benign for this disease.

Breakthrough Genomics
Classification: Benign. Review status: criteria provided, single submitter. Criteria: ACMG Guidelines, 2015. Collection method: not provided. Allele origin: germline. Inheritance: Autosomal recessive inheritance. Affected: yes.